The following is an entry in ClinVar:

NM_032578.4(MYPN):c.1318-5T>C

Gene: MYPN (myopalladin; plus strand). Cytogenetic location: 10q21.3.
Variant type: single nucleotide variant.
Coding change: c.1318-5T>C on transcript NM_032578.4 (MANE Select); 5 bases into the intron before coding-DNA position 1318, T replaced by C.
Molecular consequence: intron variant.
Genome position (GRCh38, 1-based): chr10:68,158,481, T>C. VCF-style: chr10-68158481-T-C. GRCh37 (hg19) VCF-style: chr10-69918238-T-C.
Other names: c.1318-5T>C (NM_001256267.2); c.436-5T>C (NM_001256268.2).
Identifiers: ClinVar variation 3351284 (VCV003351284.1).

ClinVar aggregate classification (germline): Likely benign (0 of 4 stars; one submission).

Conditions:
MYPN-related disorder. Also called: MYPN-related condition.

gnomAD v4.1: 1 of 1,613,468 alleles (0.000062%); highest among the groups gnomAD compares: Non-Finnish European, 0.000085%; no homozygotes.

Submission:

PreventionGenetics, part of Exact Sciences
Classification: Likely benign for MYPN-related condition. Last evaluated: 2024-07-15. Review status: no assertion criteria provided. Collection method: clinical testing. Allele origin: germline.
Comment: This variant is classified as likely benign based on ACMG/AMP sequence variant interpretation guidelines (Richards et al. 2015 PMID: 25741868, with internal and published modifications).